The following is an entry in ClinVar:

ClinVar aggregate classification (germline): Uncertain significance (1 of 4 stars; one submission).

Conditions:
Catecholaminergic polymorphic ventricular tachycardia 1. Also called: VENTRICULAR TACHYCARDIA, CATECHOLAMINERGIC POLYMORPHIC, 1, WITH OR WITHOUT ATRIAL DYSFUNCTION AND/OR DILATED CARDIOMYOPATHY; RYR2-Related Catecholaminergic Polymorphic Ventricular Tachycardia; VENTRICULAR TACHYCARDIA, STRESS-INDUCED POLYMORPHIC 1. Identifiers: Orphanet 3286, MedGen C1631597, MONDO:0011484, OMIM 604772.

Allele frequency attached by ClinVar (database versions not stated): gnomAD 0.00001.
gnomAD v4.1: 7 of 1,608,690 alleles (0.00044%); highest among the groups gnomAD compares: Admixed American, 0.01%; no homozygotes.

Submission:

Labcorp Genetics (formerly Invitae), Labcorp
Classification: Uncertain significance for Catecholaminergic polymorphic ventricular tachycardia 1. Last evaluated: 2024-11-05. Review status: criteria provided, single submitter. Criteria: Invitae Variant Classification Sherloc (09022015). Collection method: clinical testing. Allele origin: germline.
Comment: This sequence change replaces glutamine, which is neutral and polar, with lysine, which is basic and polar, at codon 513 of the TRDN protein (p.Gln513Lys). This variant is present in population databases (rs757355311, gnomAD 0.02%). This variant has not been reported in the literature in individuals affected with TRDN-related conditions. ClinVar contains an entry for this variant (Variation ID: 1502119). An algorithm developed to predict the effect of missense changes on protein structure and function (PolyPhen-2) suggests that this variant is likely to be disruptive. In summary, the available evidence is currently insufficient to determine the role of this variant in disease. Therefore, it has been classified as a Variant of Uncertain Significance.

NM_006073.4(TRDN):c.1537C>A (p.Gln513Lys)

Gene: TRDN (triadin; minus strand). Cytogenetic location: 6q22.31.
Variant type: single nucleotide variant.
Coding change: c.1537C>A on transcript NM_006073.4 (MANE Select); coding-DNA position 1537, C replaced by A.
Protein change: p.Gln513Lys; replaces glutamine 513 with lysine.
Molecular consequence: missense variant.
Genome position (GRCh38, 1-based): chr6:123,279,056, G>T on the plus strand (C>A on the coding strand, the complement: TRDN is on the minus strand). VCF-style: chr6-123279056-G-T. GRCh37 (hg19) VCF-style: chr6-123600201-G-T.
Other names: short protein forms Q513K.
Identifiers: ClinVar variation 1502119 (VCV001502119.8), dbSNP rs757355311, ClinGen allele CA3983888.